The following is an entry in ClinVar:

ClinVar aggregate classification (germline): Uncertain significance (1 of 4 stars; one submission).

Conditions:
MHC class II deficiency. Also called: BLS, TYPE II; Bare lymphocyte syndrome 2. Identifiers: Orphanet 572, MedGen C5447452, MONDO:0008855.

Allele frequency attached by ClinVar (database versions not stated): gnomAD 0.00001; gnomAD exomes 0.00001 and 0.00002; ExAC 0.00004; 1000 Genomes Project 30x 0.00016; 1000 Genomes Project 0.00020.
gnomAD v4.1: 16 of 1,613,358 alleles (0.00099%); highest among the groups gnomAD compares: South Asian, 0.013%; 1 homozygote.

Submission:

Labcorp Genetics (formerly Invitae), Labcorp
Classification: Uncertain significance for MHC class II deficiency. Last evaluated: 2021-09-01. Review status: criteria provided, single submitter. Criteria: Invitae Variant Classification Sherloc (09022015). Collection method: clinical testing. Allele origin: germline.
Comment: This sequence change replaces glycine with serine at codon 358 of the CIITA protein (p.Gly358Ser). The glycine residue is moderately conserved and there is a small physicochemical difference between glycine and serine. This variant is present in population databases (rs570428236, ExAC 0.03%). This variant has not been reported in the literature in individuals affected with CIITA-related conditions. Algorithms developed to predict the effect of missense changes on protein structure and function output the following: SIFT: "Tolerated"; PolyPhen-2: "Benign"; Align-GVGD: "Class C0". The serine amino acid residue is found in multiple mammalian species, which suggests that this missense change does not adversely affect protein function. In summary, the available evidence is currently insufficient to determine the role of this variant in disease. Therefore, it has been classified as a Variant of Uncertain Significance.

NM_000246.4(CIITA):c.1072G>A (p.Gly358Ser)

Gene: CIITA (class II major histocompatibility complex transactivator; plus strand). Cytogenetic location: 16p13.13.
Variant type: single nucleotide variant.
Coding change: c.1072G>A on transcript NM_000246.4 (MANE Select); coding-DNA position 1072, G replaced by A.
Protein change: p.Gly358Ser; replaces glycine 358 with serine.
Molecular consequence: missense variant. On other transcripts: intron variant (1).
Genome position (GRCh38, 1-based): chr16:10,906,564, G>A. VCF-style: chr16-10906564-G-A. GRCh37 (hg19) VCF-style: chr16-11000421-G-A.
Other names: c.1075G>A, p.Gly359Ser (NM_001286402.1, NM_001379332.1); c.928G>A, p.Gly310Ser (NM_001379330.1); c.925G>A, p.Gly309Ser (NM_001379331.1); c.1072G>A, p.Gly358Ser (NM_001379333.1); c.1003G>A, p.Gly335Ser (NM_001379334.1); c.859+1752G>A (NM_001286403.2); short protein forms G335S, G309S, G359S, G310S, G358S.
Identifiers: ClinVar variation 1416181 (VCV001416181.5), dbSNP rs570428236, ClinGen allele CA7900052.
Genomic context (GRCh38, chr16:10,906,564, plus strand): 5'-GTGGAGCAGTTCTACCGCTCACTGCAGGACACGTATGGTGCCGAGCCCGCAGGCCCGGAT[G>A]GCATCCTAGTGGAGGTGGATCTGGTGCAGGCCAGGCTGGAGAGGAGCAGCAGCAAGAGCC-3'
Protein context (NP_000237.2, residues 348-368): TYGAEPAGPD[Gly358Ser]ILVEVDLVQA